The following is an entry in ClinVar:

ClinVar aggregate classification (germline): Pathogenic/Likely pathogenic. Review status: criteria provided, multiple submitters, no conflicts (2 of 4 stars). 2 submissions from 2 submitters: Pathogenic (1); Likely pathogenic (1). Last evaluated 2025-02-11.

Conditions:
EVC2-related disorder. Also called: EVC2-related condition.
Ellis-van Creveld syndrome (EVC). Also called: MESOECTODERMAL DYSPLASIA; EVC-Related Ellis-van Creveld Syndrome; EVC2-Related Ellis-van Creveld Syndrome; Chondroectodermal dysplasia. Identifiers: Orphanet 289, MedGen C0013903, MONDO:0009162, OMIM 225500.
Curry-Hall syndrome (WAD). Also called: WEYERS ACRODENTAL DYSOSTOSIS. Identifiers: Orphanet 952, MedGen C0457013, MONDO:0008673, OMIM 193530.

gnomAD v4.1: 4 of 1,614,066 alleles (0.00025%); highest among the groups gnomAD compares: African/African-American, 0.0027%; no homozygotes.

Submissions (2):

Labcorp Genetics (formerly Invitae), Labcorp
Classification: Pathogenic for Curry-Hall syndrome; Ellis-van Creveld syndrome. Last evaluated: 2025-02-11. Review status: criteria provided, single submitter. Criteria: Invitae Variant Classification Sherloc (09022015). Collection method: clinical testing. Allele origin: germline.
Comment: This sequence change creates a premature translational stop signal (p.Ser223*) in the EVC2 gene. It is expected to result in an absent or disrupted protein product. Loss-of-function variants in EVC2 are known to be pathogenic (PMID: 17024374, 19810119, 19876929). The frequency data for this variant in the population databases is considered unreliable, as metrics indicate poor data quality at this position in the gnomAD database. This variant has not been reported in the literature in individuals affected with EVC2-related conditions. ClinVar contains an entry for this variant (Variation ID: 851235). For these reasons, this variant has been classified as Pathogenic.

PreventionGenetics, part of Exact Sciences
Classification: Likely pathogenic for EVC2-related condition. Last evaluated: 2022-09-03. Review status: criteria provided, single submitter. Criteria: ACMG Guidelines, 2015. Collection method: clinical testing. Allele origin: germline.
Comment: The EVC2 c.668C>A variant is predicted to result in premature protein termination (p.Ser223*). To our knowledge, this variant has not been reported in the literature. This variant is reported in 0.0080% of alleles in individuals of African descent in gnomAD. Nonsense variants in EVC2 are expected to be pathogenic. This variant is interpreted as likely pathogenic.

Literature cited by the submitters: PubMed 17024374 (cited by Labcorp Genetics (formerly Invitae), Labcorp); PubMed 19810119 (cited by Labcorp Genetics (formerly Invitae), Labcorp); PubMed 19876929 (cited by Labcorp Genetics (formerly Invitae), Labcorp).

NM_147127.5(EVC2):c.668C>A (p.Ser223Ter)

Gene: EVC2 (EvC ciliary complex subunit 2; minus strand). Cytogenetic location: 4p16.2.
Variant type: single nucleotide variant.
Coding change: c.668C>A on transcript NM_147127.5 (MANE Select); coding-DNA position 668, C replaced by A.
Protein change: p.Ser223Ter; replaces serine 223 with a stop codon.
Molecular consequence: nonsense.
Genome position (GRCh38, 1-based): chr4:5,689,195, G>T on the plus strand (C>A on the coding strand, the complement: EVC2 is on the minus strand). VCF-style: chr4-5689195-G-T. GRCh37 (hg19) VCF-style: chr4-5690922-G-T.
Other names: c.428C>A, p.Ser143Ter (NM_001166136.2); short protein forms S143*, S223*.
Identifiers: ClinVar variation 851235 (VCV000851235.9), dbSNP rs999964757, ClinGen allele CA356148297.